The following is an entry in ClinVar:

ClinVar aggregate classification (germline): Uncertain significance (1 of 4 stars; one submission).

Submission:

GeneDx
Classification: Uncertain significance. Last evaluated: 2023-12-16. Review status: criteria provided, single submitter. Criteria: GeneDx Variant Classification Process June 2021. Collection method: clinical testing. Allele origin: germline. Affected: yes.
Comment: Not observed at significant frequency in large population cohorts (gnomAD); In silico analysis supports that this missense variant has a deleterious effect on protein structure/function; Has not been previously published as pathogenic or benign to our knowledge

NM_021096.4(CACNA1I):c.577C>T (p.Pro193Ser)

Gene: CACNA1I (calcium voltage-gated channel subunit alpha1 I; plus strand). Cytogenetic location: 22q13.1.
Variant type: single nucleotide variant.
Coding change: c.577C>T on transcript NM_021096.4 (MANE Select); coding-DNA position 577, C replaced by T.
Protein change: p.Pro193Ser; replaces proline 193 with serine.
Molecular consequence: missense variant.
Genome position (GRCh38, 1-based): chr22:39,619,404, C>T. VCF-style: chr22-39619404-C-T. GRCh37 (hg19) VCF-style: chr22-40015409-C-T.
Other names: c.577C>T, p.Pro193Ser (NM_001003406.2); short protein forms P193S.
Identifiers: ClinVar variation 3365658 (VCV003365658.1).
Genomic context (GRCh38, chr22:39,619,404, plus strand): 5'-AACCTGTCAGCCATCCGCACCGTGCGCGTCCTGAGGCCCCTCAAAGCCATCAACCGCGTG[C>T]CCAGTGAGTCAGCCCCGCCCTGTCCACACATTCCTGGCTGATCCATCCCTGGCCAACCCA-3'
Protein context (NP_066919.2, residues 183-203): LRPLKAINRV[Pro193Ser]SMRILVNLLL